The following is an entry in ClinVar:

NM_205836.3(FBXO38):c.2543G>T (p.Gly848Val)

Gene: FBXO38 (F-box protein 38; plus strand). Cytogenetic location: 5q32.
Variant type: single nucleotide variant.
Coding change: c.2543G>T on transcript NM_205836.3 (MANE Select); coding-DNA position 2543, G replaced by T.
Protein change: p.Gly848Val; replaces glycine 848 with valine.
Molecular consequence: missense variant. On other transcripts: intron variant (2).
Genome position (GRCh38, 1-based): chr5:148,427,837, G>T. VCF-style: chr5-148427837-G-T. GRCh37 (hg19) VCF-style: chr5-147807400-G-T.
Other names: c.2428+115G>T (NM_030793.5); c.1918+2136G>T (NM_001271723.2); short protein forms G848V.
Identifiers: ClinVar variation 5003015 (VCV005003015.1).

ClinVar aggregate classification (germline): Uncertain significance (1 of 4 stars; one submission).

Submission:

OLLIN Analises Genomicas, OLLIN
Classification: Uncertain significance. Last evaluated: 2026-08-06. Review status: criteria provided, single submitter. Criteria: ACMG Guidelines 2015 PMID 25741868. Collection method: clinical testing. Allele origin: germline.
Comment: This missense variant, located in exon 15 (of 22), is absent from gnomAD and ClinVar and has not been identified in the literature. In silico analysis predicts that this variant has a tolerated effect. According to the currently available evidence, this variant has been classified as uncertain significance (PM2_P, BP4_M).